The following is an entry in ClinVar:

NM_001042492.3(NF1):c.5134C>T (p.Pro1712Ser)

Gene: NF1 (neurofibromin 1; plus strand). Cytogenetic location: 17q11.2.
Variant type: single nucleotide variant.
Coding change: c.5134C>T on transcript NM_001042492.3 (MANE Select); coding-DNA position 5134, C replaced by T.
Protein change: p.Pro1712Ser; replaces proline 1712 with serine.
Molecular consequence: missense variant.
Genome position (GRCh38, 1-based): chr17:31,326,118, C>T. VCF-style: chr17-31326118-C-T. GRCh37 (hg19) VCF-style: chr17-29653136-C-T.
Other names: c.5071C>T, p.Pro1691Ser (NM_000267.4); short protein forms P1691S, P1712S.
Identifiers: ClinVar variation 825416 (VCV000825416.5), dbSNP rs1567611556, ClinGen allele CA399007770.

ClinVar aggregate classification (germline): Uncertain significance (1 of 4 stars; one submission).

Conditions:
Hereditary cancer-predisposing syndrome. Also called: Neoplastic Syndromes, Hereditary; Tumor predisposition; Hereditary neoplastic syndrome; Hereditary Cancer Syndrome. Identifiers: Orphanet 140162, MedGen C0027672, MeSH D009386, MONDO:0015356.
Cardiovascular phenotype. Identifiers: MedGen CN230736.

Submission:

Ambry Genetics
Classification: Uncertain significance for Cardiovascular phenotype; Hereditary cancer-predisposing syndrome. Last evaluated: 2025-09-12. Review status: criteria provided, single submitter. Criteria: Ambry Variant Classification Scheme 2023. Collection method: clinical testing. Allele origin: germline.
Comment: The p.P1691S variant (also known as c.5071C>T), located in coding exon 36 of the NF1 gene, results from a C to T substitution at nucleotide position 5071. The proline at codon 1691 is replaced by serine, an amino acid with similar properties. This amino acid position is highly conserved in available vertebrate species. In addition, this alteration is predicted to be tolerated by in silico analysis. Based on the available evidence, the clinical significance of this variant remains unclear.